The following is an entry in ClinVar:

ClinVar aggregate classification (germline): Uncertain significance. Review status: criteria provided, multiple submitters, no conflicts (2 of 4 stars). 2 submissions from 2 submitters: Uncertain significance (2). Last evaluated 2026-01-23.

Conditions:
Developmental and epileptic encephalopathy, 42 (DEE42A). Also called: DEVELOPMENTAL AND EPILEPTIC ENCEPHALOPATHY 42A; EPILEPTIC ENCEPHALOPATHY, EARLY INFANTILE, 42A; Epileptic encephalopathy, early infantile, 42. Identifiers: MedGen C4310716, MONDO:0014917, OMIM 617106.
Migraine, familial hemiplegic, 1. Also called: MIGRAINE, FAMILIAL HEMIPLEGIC 1, WITH PROGRESSIVE CEREBELLAR ATAXIA. Identifiers: Orphanet 569, MedGen C1832884, MONDO:0020756, OMIM 141500, MONDO:0007714.
Episodic ataxia type 2 (EA2). Also called: ACETAZOLAMIDE-RESPONSIVE HEREDITARY PAROXYSMAL CEREBELLAR ATAXIA; CEREBELLAR ATAXIA, PAROXYSMAL, ACETAZOLAMIDE-RESPONSIVE; CEREBELLOPATHY, HEREDITARY PAROXYSMAL; EPISODIC ATAXIA, NYSTAGMUS-ASSOCIATED; ATAXIA, EPISODIC, WITH NYSTAGMUS; ATAXIA, FAMILIAL PAROXYSMAL. Identifiers: Orphanet 97, MedGen C1720416, MONDO:0007163, OMIM 108500.
Spinocerebellar ataxia type 6 (SCA6). Identifiers: Orphanet 98758, MedGen C0752124, MONDO:0008457, OMIM 183086.

Submissions (2):

Clinical Genomics Laboratory, Washington University in St. Louis
Classification: Uncertain significance for Developmental and epileptic encephalopathy, 42; Episodic ataxia type 2; Migraine, familial hemiplegic, 1; Spinocerebellar ataxia type 6. Last evaluated: 2026-01-23. Review status: criteria provided, single submitter. Criteria: ACMG Guidelines, 2015. Collection method: clinical testing. Allele origin: germline.
Comment: The CANCA1A c.6359C>T (p.Pro2120Leu) variant, to our knowledge, has not been reported in the medical literature but has been reported in the ClinVar database as a germline variant of uncertain significance by a single submitter. Computational predictors are uncertain as to the impact of this variant on CACNA1A function. Due to limited information, and based on ACMG/AMP guidelines for variant interpretation (Richards S et al., PMID: 25741868), the clinical significance of this variant is uncertain at this time.

GeneDx
Classification: Uncertain significance. Last evaluated: 2022-04-08. Review status: criteria provided, single submitter. Criteria: GeneDx Variant Classification Process June 2021. Collection method: clinical testing. Allele origin: germline. Affected: yes.
Comment: Not observed at significant frequency in large population cohorts (gnomAD); In silico analysis supports that this missense variant has a deleterious effect on protein structure/function; Has not been previously published as pathogenic or benign to our knowledge

NM_001127222.2(CACNA1A):c.6359C>T (p.Pro2120Leu)

Gene: CACNA1A (calcium voltage-gated channel subunit alpha1 A; minus strand). Cytogenetic location: 19p13.13.
Variant type: single nucleotide variant.
Coding change: c.6359C>T on transcript NM_001127222.2 (MANE Select); coding-DNA position 6359, C replaced by T.
Protein change: p.Pro2120Leu; replaces proline 2120 with leucine.
Molecular consequence: missense variant.
Genome position (GRCh38, 1-based): chr19:13,209,479, G>A on the plus strand (C>T on the coding strand, the complement: CACNA1A is on the minus strand). VCF-style: chr19-13209479-G-A. GRCh37 (hg19) VCF-style: chr19-13320293-G-A.
Other names: c.6377C>T, p.Pro2126Leu (NM_000068.4, NM_023035.3); c.6362C>T, p.Pro2121Leu (NM_001127221.2); c.6368C>T, p.Pro2123Leu (NM_001174080.2); short protein forms P2120L, P2121L, P2123L, P2126L.
Identifiers: ClinVar variation 1708732 (VCV001708732.3), dbSNP rs866381013, ClinGen allele CA404331132.
Genomic context (GRCh38, chr19:13,209,479, plus strand): 5'-AGCGAGTAATCGTCCAGGCGTCGGGCCTTGGGGCCCAGCACGGAGGCTGAACGCTTCATG[G>A]GGCTGGTGTCTGAGATGGTCTGGGGGAGGGGACAGGCCGGTGGGCTGGGGTCAGCAGCTA-3'
Protein context (NP_001120694.1, residues 2110-2130): NNLSTISDTS[Pro2120Leu]MKRSASVLGP